The following is an entry in ClinVar:

ClinVar aggregate classification (germline): Conflicting classifications of pathogenicity. Review status: criteria provided, conflicting classifications (1 of 4 stars). 5 submissions from 5 submitters: Likely pathogenic (1); Uncertain significance (3). 1 of the submissions does not count toward it. Last evaluated 2024-03-07.

Conditions:
Premature ovarian insufficiency (POF). Also called: Premature ovarian failure. Identifiers: MedGen C4303540, HP:0008209.
Hereditary insensitivity to pain with anhidrosis (CIPA). Also called: FAMILIAL DYSAUTONOMIA, TYPE II; NEUROPATHY, CONGENITAL SENSORY, WITH ANHIDROSIS; INSENSITIVITY TO PAIN, CONGENITAL, WITH ANHIDROSIS; NTRK1 Congenital Insensitivity to Pain with Anhidrosis; hereditary sensory and autonomic neuropathy type 4; HSAN Type IV. Identifiers: Orphanet 642, MedGen C0020074, MONDO:0009746, OMIM 256800.

Allele frequency attached by ClinVar (database versions not stated): gnomAD exomes 0.00001; ExAC 0.00001; TOPMed 0.00001.
gnomAD v4.1: 18 of 1,613,406 alleles (0.0011%); highest among the groups gnomAD compares: Admixed American, 0.0033%; no homozygotes.

Submissions (5):

Women's Health and Genetics/Laboratory Corporation of America, LabCorp
Classification: Uncertain significance. Last evaluated: 2024-03-07. Review status: criteria provided, single submitter. Criteria: LabCorp Variant Classification Summary - May 2015. Collection method: clinical testing. Allele origin: germline.
Comment: Variant summary: NTRK1 c.2101G>A (p.Glu701Lys) results in a conservative amino acid change located in the Protein kinase domain (IPR000719) of the encoded protein sequence. Three of five in-silico tools predict a damaging effect of the variant on protein function. The variant allele was found at a frequency of 1.2e-05 in 251100 control chromosomes. The available data on variant occurrences in the general population are insufficient to allow any conclusion about variant significance. c.2101G>A has been reported in the literature in one individual affected with primary ovarian insufficiency (Bestetti_2021). These report(s) do not provide unequivocal conclusions about association of the variant with Hereditary Insensitivity To Pain With Anhidrosis. To our knowledge, no experimental evidence demonstrating an impact on protein function has been reported. The following publication have been ascertained in the context of this evaluation (PMID: 34480478). ClinVar contains an entry for this variant (Variation ID: 526718). Based on the evidence outlined above, the variant was classified as uncertain significance.

Labcorp Genetics (formerly Invitae), Labcorp
Classification: Uncertain significance for Hereditary insensitivity to pain with anhidrosis. Last evaluated: 2021-08-31. Review status: criteria provided, single submitter. Criteria: Invitae Variant Classification Sherloc (09022015). Collection method: clinical testing. Allele origin: germline.
Comment: This sequence change replaces glutamic acid with lysine at codon 701 of the NTRK1 protein (p.Glu701Lys). The glutamic acid residue is highly conserved and there is a small physicochemical difference between glutamic acid and lysine. This variant is present in population databases (rs747855434, ExAC 0.006%). This variant has not been reported in the literature in individuals affected with NTRK1-related conditions. Algorithms developed to predict the effect of missense changes on protein structure and function (SIFT, PolyPhen-2, Align-GVGD) all suggest that this variant is likely to be disruptive. In summary, the available evidence is currently insufficient to determine the role of this variant in disease. Therefore, it has been classified as a Variant of Uncertain Significance.

Genome-Nilou Lab
Classification: Uncertain significance for Hereditary insensitivity to pain with anhidrosis. Last evaluated: 2021-05-18. Review status: criteria provided, single submitter. Criteria: ACMG Guidelines, 2015. Collection method: clinical testing. Allele origin: germline. Affected: no.

Medical Cytogenetics and Molecular Genetics Laboratory, IRCCS Istituto Auxologico Italiano
Classification: Likely pathogenic for Premature ovarian failure. Last evaluated: 2020-03-02. Review status: criteria provided, single submitter. Criteria: ACMG Guidelines, 2015. Collection method: research. Allele origin: germline. Affected: yes. Observed: 1 variant allele.

Natera, Inc.
Classification: Uncertain significance for Hereditary insensitivity to pain with anhidrosis. Last evaluated: 2020-09-16. Review status: no assertion criteria provided. Collection method: clinical testing. Allele origin: germline. Not counted in ClinVar's aggregate classification.

Literature cited by the submitters: PubMed 34480478 (cited by Women's Health and Genetics/Laboratory Corporation of America, LabCorp).

NM_002529.4(NTRK1):c.2119G>A (p.Glu707Lys)

Gene: NTRK1 (neurotrophic receptor tyrosine kinase 1; plus strand). Cytogenetic location: 1q23.1.
Variant type: single nucleotide variant.
Coding change: c.2119G>A on transcript NM_002529.4 (MANE Select); coding-DNA position 2119, G replaced by A.
Protein change: p.Glu707Lys; replaces glutamic acid 707 with lysine.
Molecular consequence: missense variant.
Genome position (GRCh38, 1-based): chr1:156,880,071, G>A. VCF-style: chr1-156880071-G-A. GRCh37 (hg19) VCF-style: chr1-156849863-G-A.
Other names: c.2011G>A, p.Glu671Lys (NM_001007792.1); c.2101G>A, p.Glu701Lys (NM_001012331.2); short protein forms E701K, E707K, E671K.
Identifiers: ClinVar variation 526718 (VCV000526718.14), dbSNP rs747855434, ClinGen allele CA1169571.